The following is an entry in ClinVar:

NM_001206927.2(DNAH8):c.1716A>T (p.Glu572Asp)

Gene: DNAH8 (dynein axonemal heavy chain 8; plus strand). Cytogenetic location: 6p21.2.
Variant type: single nucleotide variant.
Coding change: c.1716A>T on transcript NM_001206927.2 (MANE Select); coding-DNA position 1716, A replaced by T.
Protein change: p.Glu572Asp; replaces glutamic acid 572 with aspartic acid.
Molecular consequence: missense variant.
Genome position (GRCh38, 1-based): chr6:38,770,511, A>T. VCF-style: chr6-38770511-A-T. GRCh37 (hg19) VCF-style: chr6-38738287-A-T.
Other names: c.1065A>T, p.Glu355Asp (NM_001371.4); short protein forms E572D, E355D.
Identifiers: ClinVar variation 407277 (VCV000407277.8), dbSNP rs367805228, ClinGen allele CA3788293.

ClinVar aggregate classification (germline): Uncertain significance. Review status: criteria provided, multiple submitters, no conflicts (2 of 4 stars). 3 submissions from 3 submitters: Uncertain significance (3). Last evaluated 2026-05-19.

Conditions:
DNAH8-related disorder. Also called: DNAH8-related condition.
Primary ciliary dyskinesia. Also called: Ciliary dyskinesia. Identifiers: Orphanet 244, MedGen C0008780, MONDO:0016575, HP:0012265.

Allele frequency attached by ClinVar (database versions not stated): ExAC 0.00005; gnomAD 0.00005 and 0.00006; gnomAD exomes 0.00007; ESP Exome Variant Server 0.00008; TOPMed 0.00009; 1000 Genomes Project 0.00020; 1000 Genomes Project 30x 0.00031.

Submissions (3):

PreventionGenetics, part of Exact Sciences
Classification: Uncertain significance for DNAH8-related condition. Last evaluated: 2026-05-19. Review status: criteria provided, single submitter. Criteria: ACMG Guidelines, 2015. Collection method: clinical testing. Allele origin: germline.
Comment: The DNAH8 c.1716A>T variant is predicted to result in the amino acid substitution p.Glu572Asp. To our knowledge, this variant has not been reported in the literature. This variant is reported in 0.012% of alleles in individuals of Latino descent in gnomAD. At this time, the clinical significance of this variant is uncertain due to the absence of conclusive functional and genetic evidence.

Ambry Genetics
Classification: Uncertain significance. Last evaluated: 2024-11-28. Review status: criteria provided, single submitter. Criteria: Ambry Variant Classification Scheme 2023. Collection method: clinical testing. Allele origin: germline.

Labcorp Genetics (formerly Invitae), Labcorp
Classification: Uncertain significance for Primary ciliary dyskinesia. Last evaluated: 2022-08-20. Review status: criteria provided, single submitter. Criteria: Invitae Variant Classification Sherloc (09022015). Collection method: clinical testing. Allele origin: germline.
Comment: This sequence change replaces glutamic acid, which is acidic and polar, with aspartic acid, which is acidic and polar, at codon 572 of the DNAH8 protein (p.Glu572Asp). This variant is present in population databases (rs367805228, gnomAD 0.01%). This variant has not been reported in the literature in individuals affected with DNAH8-related conditions. ClinVar contains an entry for this variant (Variation ID: 407277). Algorithms developed to predict the effect of missense changes on protein structure and function are either unavailable or do not agree on the potential impact of this missense change (SIFT: "Deleterious"; PolyPhen-2: "Not Available"; Align-GVGD: "Class C0"). In summary, the available evidence is currently insufficient to determine the role of this variant in disease. Therefore, it has been classified as a Variant of Uncertain Significance.